The following is an entry in ClinVar:

NM_000238.4(KCNH2):c.853G>A (p.Ala285Thr)

Gene: KCNH2 (potassium voltage-gated channel subfamily H member 2; minus strand). Cytogenetic location: 7q36.1.
Variant type: single nucleotide variant.
Coding change: c.853G>A on transcript NM_000238.4 (MANE Select); coding-DNA position 853, G replaced by A.
Protein change: p.Ala285Thr; replaces alanine 285 with threonine.
Molecular consequence: missense variant.
Genome position (GRCh38, 1-based): chr7:150,958,122, C>T on the plus strand (G>A on the coding strand, the complement: KCNH2 is on the minus strand). VCF-style: chr7-150958122-C-T. GRCh37 (hg19) VCF-style: chr7-150655210-C-T.
Other names: c.565G>A, p.Ala189Thr (NM_001406753.1, NM_001406756.1); c.676G>A, p.Ala226Thr (NM_001406755.1); c.553G>A, p.Ala185Thr (NM_001406757.1); c.853G>A, p.Ala285Thr (NM_172056.3); short protein forms A285T, A185T, A189T, A226T.
Identifiers: ClinVar variation 220070 (VCV000220070.9), dbSNP rs864622366, ClinGen allele CA350810.

ClinVar aggregate classification (germline): Uncertain significance. Review status: criteria provided, multiple submitters, no conflicts (2 of 4 stars). 2 submissions from 2 submitters: Uncertain significance (2). Last evaluated 2026-04-27.

Conditions:
Cardiovascular phenotype. Identifiers: MedGen CN230736.
Long QT syndrome (LQTS). Identifiers: MedGen C0023976, MeSH D008133, MONDO:0002442. Disease mechanism: loss of function. Inheritance: Various modes of inheritance.

Allele frequency attached by ClinVar (database versions not stated): gnomAD exomes below 0.00001; TOPMed 0.00001; gnomAD 0.00001.
gnomAD v4.1: 6 of 1,301,170 alleles (0.00046%); highest among the groups gnomAD compares: Non-Finnish European, 0.00049%; no homozygotes.

Submissions (2):

Ambry Genetics
Classification: Uncertain significance for Cardiovascular phenotype. Last evaluated: 2026-04-27. Review status: criteria provided, single submitter. Criteria: Ambry Variant Classification Scheme 2023. Collection method: clinical testing. Allele origin: germline.
Comment: The p.A285T variant (also known as c.853G>A), located in coding exon 4 of the KCNH2 gene, results from a G to A substitution at nucleotide position 853. The alanine at codon 285 is replaced by threonine, an amino acid with similar properties. This variant was reported in individual(s) from a long QT syndrome cohort (Chattha IS et al. Heart Rhythm, 2010 Jul;7:906-11). This amino acid position is not well conserved in available vertebrate species. In addition, the in silico prediction for this alteration is inconclusive. Based on the available evidence, the clinical significance of this variant remains unclear.

Labcorp Genetics (formerly Invitae), Labcorp
Classification: Uncertain significance for Long QT syndrome. Last evaluated: 2023-01-26. Review status: criteria provided, single submitter. Criteria: Invitae Variant Classification Sherloc (09022015). Collection method: clinical testing. Allele origin: germline.
Comment: This variant has not been reported in the literature in individuals affected with KCNH2-related conditions. ClinVar contains an entry for this variant (Variation ID: 220070). Algorithms developed to predict the effect of missense changes on protein structure and function (SIFT, PolyPhen-2, Align-GVGD) all suggest that this variant is likely to be tolerated. In summary, the available evidence is currently insufficient to determine the role of this variant in disease. Therefore, it has been classified as a Variant of Uncertain Significance. This variant is not present in population databases (gnomAD no frequency). This sequence change replaces alanine, which is neutral and non-polar, with threonine, which is neutral and polar, at codon 285 of the KCNH2 protein (p.Ala285Thr).

Literature cited by the submitters: PubMed 20226272 (cited by Ambry Genetics).